The following is an entry in ClinVar:

NM_002470.4(MYH3):c.1566C>A (p.Ile522=)

Gene: MYH3 (myosin heavy chain 3; minus strand). Cytogenetic location: 17p13.1.
Variant type: single nucleotide variant.
Coding change: c.1566C>A on transcript NM_002470.4 (MANE Select); coding-DNA position 1566, C replaced by A.
Protein change: p.Ile522=; no amino-acid change (isoleucine 522 retained).
Molecular consequence: synonymous variant.
Genome position (GRCh38, 1-based): chr17:10,642,841, G>T on the plus strand (C>A on the coding strand, the complement: MYH3 is on the minus strand). VCF-style: chr17-10642841-G-T. GRCh37 (hg19) VCF-style: chr17-10546158-G-T.
Identifiers: ClinVar variation 704587 (VCV000704587.16), dbSNP rs146873206, ClinGen allele CA8392987.

ClinVar aggregate classification (germline): Benign/Likely benign. Review status: criteria provided, multiple submitters, no conflicts (2 of 4 stars). 7 submissions from 6 submitters: Benign (3); Likely benign (3). 1 of the submissions does not count toward it. Last evaluated 2026-01-26.

Conditions:
MYH3-related disorder. Also called: MYH3-Related Disorders; MYH3-related condition. Identifiers: MedGen CN239329.
Freeman-Sheldon syndrome (DA2A). Also called: CRANIOCARPOTARSAL DYSPLASIA; CRANIOCARPOTARSAL DYSTROPHY; WHISTLING FACE-WINDMILL VANE HAND SYNDROME; Arthrogryposis, distal, type 2A (Freeman-Sheldon). Identifiers: Orphanet 2053, MedGen C0265224, MONDO:0008675, OMIM 193700.
Distal arthrogryposis type 2B1 (DA2B1). Also called: Arthrogryposis multiplex congenita distal type II with craniofacial abnormalities. Identifiers: Orphanet 1147, MedGen C5193014, MONDO:0020820, OMIM 601680.

Allele frequency attached by ClinVar (database versions not stated): 1000 Genomes Project 0.00180; 1000 Genomes Project 30x 0.00203; gnomAD 0.00236; TOPMed 0.00272; ESP Exome Variant Server 0.00277.
gnomAD v4.1: 726 of 1,614,116 alleles (0.045%); highest among the groups gnomAD compares: African/African-American, 0.84%; 6 homozygotes.

Submissions (7):

Labcorp Genetics (formerly Invitae), Labcorp
Classification: Benign. Last evaluated: 2026-01-26. Review status: criteria provided, single submitter. Criteria: Invitae Variant Classification Sherloc (09022015). Collection method: clinical testing. Allele origin: germline.

Blueprint Genetics
Classification: Likely benign. Last evaluated: 2024-11-26. Review status: criteria provided, single submitter. Criteria: ACMG Guidelines, 2015. Collection method: clinical testing. Allele origin: germline.

GeneDx
Classification: Benign. Last evaluated: 2021-07-23. Review status: criteria provided, single submitter. Criteria: GeneDx Variant Classification Process June 2021. Collection method: clinical testing. Allele origin: germline. Affected: yes.

Illumina Laboratory Services, Illumina
Classification: Benign for Freeman-Sheldon syndrome. Last evaluated: 2018-01-13. Review status: criteria provided, single submitter. Criteria: ICSL Variant Classification Criteria 13 December 2019. Collection method: clinical testing. Allele origin: germline.
Comment: This variant was observed in the ICSL laboratory as part of a predisposition screen in an ostensibly healthy population. It had not been previously curated by ICSL or reported in the Human Gene Mutation Database (HGMD: prior to June 1st, 2018), and was therefore a candidate for classification through an automated scoring system. Utilizing variant allele frequency, disease prevalence and penetrance estimates, and inheritance mode, an automated score was calculated to assess if this variant is too frequent to cause the disease. Based on the score and internal cut-off values, a variant classified as benign is not then subjected to further curation. The score for this variant resulted in a classification of benign for this disease.

Illumina Laboratory Services, Illumina
Classification: Likely benign for Distal arthrogryposis type 2B1. Last evaluated: 2018-01-13. Review status: criteria provided, single submitter. Criteria: ICSL Variant Classification Criteria 13 December 2019. Collection method: clinical testing. Allele origin: germline.
Comment: This variant was observed in the ICSL laboratory as part of a predisposition screen in an ostensibly healthy population. It had not been previously curated by ICSL or reported in the Human Gene Mutation Database (HGMD: prior to June 1st, 2018), and was therefore a candidate for classification through an automated scoring system. Utilizing variant allele frequency, disease prevalence and penetrance estimates, and inheritance mode, an automated score was calculated to assess if this variant is too frequent to cause the disease. Based on the score and internal cut-off values, a variant classified as likely benign is not then subjected to further curation. The score for this variant resulted in a classification of likely benign for this disease.

Breakthrough Genomics
Classification: Likely benign. Review status: criteria provided, single submitter. Criteria: ACMG Guidelines, 2015. Collection method: not provided. Allele origin: germline. Inheritance: Autosomal recessive inheritance. Affected: yes.

PreventionGenetics, part of Exact Sciences
Classification: Benign for MYH3-related condition. Last evaluated: 2023-05-22. Review status: no assertion criteria provided. Collection method: clinical testing. Allele origin: germline. Not counted in ClinVar's aggregate classification.
Comment: This variant is classified as benign based on ACMG/AMP sequence variant interpretation guidelines (Richards et al. 2015 PMID: 25741868, with internal and published modifications).